The following is an entry in ClinVar:

ClinVar aggregate classification (germline): Pathogenic/Likely pathogenic. Review status: criteria provided, multiple submitters, no conflicts (2 of 4 stars). 5 submissions from 5 submitters: Pathogenic (1); Likely pathogenic (3). 1 of the submissions does not count toward it. Last evaluated 2025-04-21.

Conditions:
Congenital lactic acidosis, Saguenay-Lac-Saint-Jean type (MC4DN5). Also called: MITOCHONDRIAL COMPLEX IV DEFICIENCY, NUCLEAR TYPE 5; CYTOCHROME c OXIDASE DEFICIENCY, FRENCH CANADIAN TYPE; COX DEFICIENCY, FRENCH CANADIAN TYPE. Identifiers: Orphanet 70472, MedGen C1857355, MONDO:0009069, OMIM 220111.
LRPPRC-related disorder. Also called: LRPPRC-related condition.

Submissions (5):

Natera, Inc.
Classification: Likely pathogenic for French-Canadian type Leigh syndrome. Last evaluated: 2025-04-21. Review status: criteria provided, single submitter. Criteria: Natera Variant Classification Schema (03/2026). Collection method: clinical testing. Allele origin: germline.
Comment: The c.1722_1723delTC variant in LRPPRC is a frameshift variant predicted to shift the reading frame beginning at codon 576 and leads to a stop codon 11 codons downstream. This variant is expected to result in nonsense mediated decay, truncation, or a dysfunctional protein product. This variant is rare in the general population with a frequency below the threshold expected for the associated phenotype(s). Given the available evidence, this variant is classified as Likely Pathogenic.

Blueprint Genetics
Classification: Likely pathogenic for LRPPRC-related disorders. Last evaluated: 2024-11-25. Review status: criteria provided, single submitter. Criteria: ACMG Guidelines, 2015. Collection method: clinical testing. Allele origin: germline. Affected: yes. Observed: 5 variant alleles.

Fulgent Genetics
Classification: Likely pathogenic for Congenital lactic acidosis, Saguenay-Lac-Saint-Jean type. Last evaluated: 2024-03-04. Review status: criteria provided, single submitter. Criteria: ACMG Guidelines, 2015. Collection method: clinical testing. Allele origin: germline.

Labcorp Genetics (formerly Invitae), Labcorp
Classification: Pathogenic. Last evaluated: 2024-02-06. Review status: criteria provided, single submitter. Criteria: Invitae Variant Classification Sherloc (09022015). Collection method: clinical testing. Allele origin: germline.
Comment: This sequence change creates a premature translational stop signal (p.Gly576Thrfs*11) in the LRPPRC gene. It is expected to result in an absent or disrupted protein product. Loss-of-function variants in LRPPRC are known to be pathogenic (PMID: 26510951). This variant is present in population databases (rs750343121, gnomAD 0.1%). This variant has not been reported in the literature in individuals affected with LRPPRC-related conditions. ClinVar contains an entry for this variant (Variation ID: 555555). For these reasons, this variant has been classified as Pathogenic.

Counsyl
Classification: Likely pathogenic for Congenital lactic acidosis, Saguenay-Lac-Saint-Jean type. Last evaluated: 2017-12-15. Review status: no assertion criteria provided. Collection method: clinical testing. Allele origin: unknown. Not counted in ClinVar's aggregate classification.

Literature cited by the submitters: PubMed 26510951 (cited by Labcorp Genetics (formerly Invitae), Labcorp).

NM_133259.4(LRPPRC):c.1722_1723del (p.Gly576fs)

Gene: LRPPRC (leucine rich pentatricopeptide repeat containing; minus strand). Cytogenetic location: 2p21.
Variant type: Deletion.
Coding change: c.1722_1723del on transcript NM_133259.4 (MANE Select); coding-DNA positions 1722 to 1723, 2 bases deleted (TC; older notation c.1722_1723delTC).
Protein change: p.Gly576fs; shifts the reading frame from glycine 576.
Molecular consequence: frameshift variant.
Genome position (GRCh38, 1-based): chr2:43,949,614-43,949,615, GA deleted on the plus strand (TC on the coding strand, the reverse complement: LRPPRC is on the minus strand); deleting any 2 consecutive bases within chr2:43,949,614-43,949,616 gives the same sequence; the c. name uses the placement nearest the transcript's 3' end. VCF-style (leftmost placement, unchanged base first): chr2-43949613-CGA-C. GRCh37 (hg19) VCF-style: chr2-44176752-CGA-C.
Other names: c.1722_1723del (NM_133259.3); short protein forms G576fs.
Identifiers: ClinVar variation 555555 (VCV000555555.18), dbSNP rs750343121, ClinGen allele CA1638794.